The following is an entry in ClinVar:

NM_024334.3(TMEM43):c.392+16_392+32del

Gene: TMEM43 (transmembrane protein 43; plus strand). Cytogenetic location: 3p25.1.
Variant type: Deletion.
Coding change: c.392+16_392+32del on transcript NM_024334.3 (MANE Select); bases 16 to 32 of the intron after coding-DNA position 392, 17 bases deleted (GAAAACTCTGTTGGGGT).
Molecular consequence: intron variant.
Genome position (GRCh38, 1-based): chr3:14,131,690-14,131,706, GAAAACTCTGTTGGGGT deleted; deleting any 17 consecutive bases within chr3:14,131,680-14,131,706 gives the same sequence; the c. name uses the placement nearest the transcript's 3' end. VCF-style (leftmost placement, unchanged base first): chr3-14131679-GCTGTTGGGGTGAAAACT-G. GRCh37 (hg19) VCF-style: chr3-14173179-GCTGTTGGGGTGAAAACT-G.
Identifiers: ClinVar variation 1406293 (VCV001406293.9), dbSNP rs745331190, ClinGen allele CA053236.

ClinVar aggregate classification (germline): Conflicting classifications of pathogenicity. Review status: criteria provided, conflicting classifications (1 of 4 stars). 2 submissions from 2 submitters: Uncertain significance (1); Likely benign (1). Last evaluated 2025-09-24.

Conditions:
Cardiomyopathy (CMYO). Also called: Cardiomyopathies. Identifiers: Orphanet 167848, MedGen C0878544, MONDO:0004994, HP:0001638. Inheritance: Various modes of inheritance.
Arrhythmogenic right ventricular dysplasia 5. Also called: ARRHYTHMOGENIC RIGHT VENTRICULAR DYSPLASIA, FAMILIAL, 5; Arrhythmogenic Right Ventricular Dysplasia/Cardiomyopathy 5. Identifiers: MedGen C1858379, MONDO:0011459, OMIM 604400.

Submissions (2):

Labcorp Genetics (formerly Invitae), Labcorp
Classification: Likely benign for Arrhythmogenic right ventricular dysplasia 5. Last evaluated: 2025-09-24. Review status: criteria provided, single submitter. Criteria: Invitae Variant Classification Sherloc (09022015). Collection method: clinical testing. Allele origin: germline.

Color Diagnostics, LLC DBA Color Health
Classification: Uncertain significance for Cardiomyopathy. Last evaluated: 2024-10-29. Review status: criteria provided, single submitter. Criteria: ACMG Guidelines, 2015. Collection method: clinical testing. Allele origin: germline.
Comment: This variant causes a deletion of 17 nucleotides (c.392+16_392+32del) in intron 4 of the TMEM43 gene. To our knowledge, functional studies have not been reported for this variant. This variant has not been reported in individuals affected with TMEM43-related disorders in the literature. This variant has been identified in 1/250174 chromosomes in the general population by the Genome Aggregation Database (gnomAD). The available evidence is insufficient to determine the role of this variant in disease conclusively. Therefore, this variant is classified as a Variant of Uncertain Significance.